The following is an entry in ClinVar:

ClinVar aggregate classification (germline): Uncertain significance (1 of 4 stars; one submission).

Conditions:
Familial sleep-related hypermotor epilepsy. Also called: Autosomal Dominant Sleep-Related Hypermotor (Hyperkinetic) Epilepsy. Identifiers: Orphanet 98784, MedGen C3696898, MONDO:0000030.

Allele frequency attached by ClinVar (database versions not stated): ESP Exome Variant Server 0.00008; 1000 Genomes Project 30x 0.00016; 1000 Genomes Project 0.00020; gnomAD 0.00003; ExAC 0.00003.
gnomAD v4.1: 12 of 1,613,774 alleles (0.00074%); highest among the groups gnomAD compares: African/African-American, 0.0027%; no homozygotes.

Submission:

Labcorp Genetics (formerly Invitae), Labcorp
Classification: Uncertain significance. Last evaluated: 2023-03-23. Review status: criteria provided, single submitter. Criteria: Invitae Variant Classification Sherloc (09022015). Collection method: clinical testing. Allele origin: germline.
Comment: In summary, the available evidence is currently insufficient to determine the role of this variant in disease. Therefore, it has been classified as a Variant of Uncertain Significance. Advanced modeling of protein sequence and biophysical properties (such as structural, functional, and spatial information, amino acid conservation, physicochemical variation, residue mobility, and thermodynamic stability) performed at Invitae indicates that this missense variant is expected to disrupt CHRNB2 protein function. ClinVar contains an entry for this variant (Variation ID: 1966566). This variant has not been reported in the literature in individuals affected with CHRNB2-related conditions. This variant is present in population databases (rs145926853, gnomAD 0.01%). This sequence change replaces arginine, which is basic and polar, with tryptophan, which is neutral and slightly polar, at codon 31 of the CHRNB2 protein (p.Arg31Trp).

NM_000748.3(CHRNB2):c.91C>T (p.Arg31Trp)

Gene: CHRNB2 (cholinergic receptor nicotinic beta 2 subunit; plus strand). Cytogenetic location: 1q21.3.
Variant type: single nucleotide variant.
Coding change: c.91C>T on transcript NM_000748.3 (MANE Select); coding-DNA position 91, C replaced by T.
Protein change: p.Arg31Trp; replaces arginine 31 with tryptophan.
Molecular consequence: missense variant.
Genome position (GRCh38, 1-based): chr1:154,569,488, C>T. VCF-style: chr1-154569488-C-T. GRCh37 (hg19) VCF-style: chr1-154541964-C-T.
Other names: short protein forms R31W.
Identifiers: ClinVar variation 1966566 (VCV001966566.5), dbSNP rs145926853, ClinGen allele CA1130623.